The following is an entry in ClinVar:

ClinVar aggregate classification (germline): Uncertain significance (1 of 4 stars; one submission).

Submission:

Labcorp Genetics (formerly Invitae), Labcorp
Classification: Uncertain significance. Last evaluated: 2024-07-03. Review status: criteria provided, single submitter. Criteria: Invitae Variant Classification Sherloc (09022015). Collection method: clinical testing. Allele origin: germline.
Comment: This sequence change replaces threonine, which is neutral and polar, with alanine, which is neutral and non-polar, at codon 112 of the LRPPRC protein (p.Thr112Ala). This variant is not present in population databases (gnomAD no frequency). This variant has not been reported in the literature in individuals affected with LRPPRC-related conditions. Advanced modeling of protein sequence and biophysical properties (such as structural, functional, and spatial information, amino acid conservation, physicochemical variation, residue mobility, and thermodynamic stability) performed at Invitae indicates that this missense variant is not expected to disrupt LRPPRC protein function with a negative predictive value of 80%. In summary, the available evidence is currently insufficient to determine the role of this variant in disease. Therefore, it has been classified as a Variant of Uncertain Significance.

NM_133259.4(LRPPRC):c.334A>G (p.Thr112Ala)

Gene: LRPPRC (leucine rich pentatricopeptide repeat containing; minus strand). Cytogenetic location: 2p21.
Variant type: single nucleotide variant.
Coding change: c.334A>G on transcript NM_133259.4 (MANE Select); coding-DNA position 334, A replaced by G.
Protein change: p.Thr112Ala; replaces threonine 112 with alanine.
Molecular consequence: missense variant.
Genome position (GRCh38, 1-based): chr2:43,982,250, T>C on the plus strand (A>G on the coding strand, the complement: LRPPRC is on the minus strand). VCF-style: chr2-43982250-T-C. GRCh37 (hg19) VCF-style: chr2-44209389-T-C.
Other names: short protein forms T112A.
Identifiers: ClinVar variation 3692705 (VCV003692705.2).
Genomic context (GRCh38, chr2:43,982,250, plus strand): 5'-CTGTGACCAGCCAAAAGTCAACTTTATGAACAGGAAATTTTGAAATACCTGAGCGGCAGG[T>C]ATCATTAAAAACTTTTTGTAGAAGCTTCTTTGGAATGCGGCCAGTTCTTCGAACAGAAAG-3'
Protein context (NP_573566.2, residues 102-122): KKLLQKVFND[Thr112Ala]CRSGGLGGSH